The following is an entry in ClinVar:

NM_001102564.3(IFT43):c.208G>C (p.Ala70Pro)

Gene: IFT43 (intraflagellar transport 43; plus strand). Cytogenetic location: 14q24.3.
Variant type: single nucleotide variant.
Coding change: c.208G>C on transcript NM_001102564.3 (MANE Select); coding-DNA position 208, G replaced by C.
Protein change: p.Ala70Pro; replaces alanine 70 with proline.
Molecular consequence: missense variant. On other transcripts: non-coding transcript variant (2).
Genome position (GRCh38, 1-based): chr14:76,022,387, G>C. VCF-style: chr14-76022387-G-C. GRCh37 (hg19) VCF-style: chr14-76488730-G-C.
Other names: c.208G>C, p.Ala70Pro (NM_001255995.3, NM_052873.3); short protein forms A70P.
Identifiers: ClinVar variation 1717372 (VCV001717372.5), dbSNP rs972795335, ClinGen allele CA390467185.

ClinVar aggregate classification (germline): Uncertain significance (1 of 4 stars; one submission).

gnomAD v4.1: 4 of 1,602,014 alleles (0.00025%); highest among the groups gnomAD compares: Non-Finnish European, 0.00034%; no homozygotes.

Submission:

Labcorp Genetics (formerly Invitae), Labcorp
Classification: Uncertain significance. Last evaluated: 2022-08-21. Review status: criteria provided, single submitter. Criteria: Invitae Variant Classification Sherloc (09022015). Collection method: clinical testing. Allele origin: germline.
Comment: This variant has not been reported in the literature in individuals affected with IFT43-related conditions. In summary, the available evidence is currently insufficient to determine the role of this variant in disease. Therefore, it has been classified as a Variant of Uncertain Significance. Algorithms developed to predict the effect of missense changes on protein structure and function output the following: SIFT: "Tolerated"; PolyPhen-2: "Benign"; Align-GVGD: "Class C0". The proline amino acid residue is found in multiple mammalian species, which suggests that this missense change does not adversely affect protein function. This variant is not present in population databases (gnomAD no frequency). This sequence change replaces alanine, which is neutral and non-polar, with proline, which is neutral and non-polar, at codon 70 of the IFT43 protein (p.Ala70Pro).